The following is an entry in ClinVar:

NM_001288705.3(CSF1R):c.*310C>A

Gene: CSF1R (colony stimulating factor 1 receptor; minus strand). Cytogenetic location: 5q32.
Variant type: single nucleotide variant.
Coding change: c.*310C>A on transcript NM_001288705.3 (MANE Select); 310 bases downstream of the stop codon, C replaced by A.
Molecular consequence: 3 prime UTR variant. On other transcripts: non-coding transcript variant (2).
Genome position (GRCh38, 1-based): chr5:150,053,759, G>T on the plus strand (C>A on the coding strand, the complement: CSF1R is on the minus strand). VCF-style: chr5-150053759-G-T. GRCh37 (hg19) VCF-style: chr5-149433322-G-T.
Other names: c.*310C>A (NM_001349736.2, NM_001375320.1, NM_001375321.1 and 1 more transcripts).
Identifiers: ClinVar variation 352110 (VCV000352110.5), dbSNP rs41497048, ClinGen allele CA10620877.

ClinVar aggregate classification (germline): Benign (1 of 4 stars; one submission).

Conditions:
Hereditary diffuse leukoencephalopathy with spheroids. Also called: LEUKOENCEPHALOPATHY, ADULT-ONSET, WITH AXONAL SPHEROIDS AND PIGMENTED GLIA. Identifiers: Orphanet 313808, MedGen C3711381, MONDO:0030796.

Allele frequency attached by ClinVar (database versions not stated): gnomAD exomes 0.04148; gnomAD 0.10361 and 0.10068; TOPMed 0.12314; 1000 Genomes Project 0.12680; 1000 Genomes Project 30x 0.13851.
gnomAD v4.1: 28,567 of 468,864 alleles (6.1%); highest among the groups gnomAD compares: African/African-American, 23%; 2,333 homozygotes.

Submission:

Illumina Laboratory Services, Illumina
Classification: Benign for Leukoencephalopathy, diffuse hereditary, with spheroids 1. Last evaluated: 2018-01-12. Review status: criteria provided, single submitter. Criteria: ICSL Variant Classification Criteria 13 December 2019. Collection method: clinical testing. Allele origin: germline.
Comment: This variant was observed in the ICSL laboratory as part of a predisposition screen in an ostensibly healthy population. It had not been previously curated by ICSL or reported in the Human Gene Mutation Database (HGMD: prior to June 1st, 2018), and was therefore a candidate for classification through an automated scoring system. Utilizing variant allele frequency, disease prevalence and penetrance estimates, and inheritance mode, an automated score was calculated to assess if this variant is too frequent to cause the disease. Based on the score and internal cut-off values, a variant classified as benign is not then subjected to further curation. The score for this variant resulted in a classification of benign for this disease.